The following is an entry in ClinVar:

ClinVar aggregate classification (germline): Benign (1 of 4 stars; one submission).

Submission:

CeGaT Center for Human Genetics Tuebingen
Classification: Benign. Last evaluated: 2022-10-01. Review status: criteria provided, single submitter. Criteria: CeGaT Center For Human Genetics Tuebingen Variant Classification Criteria Version 2. Collection method: clinical testing. Allele origin: germline. Affected: yes. Observed: 1 variant allele.
Comment: KCNQ1OT1: BS1, BS2

NM_000218.3(KCNQ1):c.1514+5511T>G

Genes: KCNQ1 (potassium voltage-gated channel subfamily Q member 1; plus strand), KCNQ1OT1 (KCNQ1 opposite strand/antisense transcript 1; minus strand). Cytogenetic location: 11p15.5.
Variant type: single nucleotide variant.
Coding change: c.1514+5511T>G on transcript NM_000218.3 (MANE Select); 5511 bases into the intron after coding-DNA position 1514, T replaced by G.
Molecular consequence: intron variant.
Genome position (GRCh38, 1-based): chr11:2,667,592, T>G. VCF-style: chr11-2667592-T-G. GRCh37 (hg19) VCF-style: chr11-2688822-T-G.
Other names: c.1244+5511T>G (NM_001406837.1); c.1418+5511T>G (NM_001406836.1); c.974+5511T>G (NM_001406838.1); c.1133+5511T>G (NM_181798.2).
Identifiers: ClinVar variation 1879186 (VCV001879186.29), dbSNP rs1312888955, ClinGen allele CA472745480.